The following is an entry in ClinVar:

NM_001374828.1(ARID1B):c.1229_1255dup (p.Gly410_Gly418dup)

Gene: ARID1B (AT-rich interaction domain 1B; plus strand). Cytogenetic location: 6q25.3.
Variant type: Duplication.
Coding change: c.1229_1255dup on transcript NM_001374828.1 (MANE Select); coding-DNA positions 1229 to 1255, 27 bases duplicated (GAGGAGCAGGAGCAGGAGGAGCAGGAG).
Protein change: p.Gly410_Gly418dup.
Molecular consequence: inframe insertion.
Genome position (GRCh38, 1-based): chr6:156,778,909-156,778,935, GAGGAGCAGGAGCAGGAGGAGCAGGAG duplicated; duplicating any 27 consecutive bases within chr6:156,778,904-156,778,935 gives the same sequence; the c. name uses the placement nearest the transcript's 3' end. VCF-style (leftmost placement, unchanged base first): chr6-156778903-G-GAGGAGGAGGAGCAGGAGCAGGAGGAGC. GRCh37 (hg19) VCF-style: chr6-157100037-G-GAGGAGGAGGAGCAGGAGCAGGAGGAGC.
Other names: c.1229_1255dup, p.Gly410_Gly418dup (NM_001371656.1, NM_001374820.1, NM_017519.3).
Identifiers: ClinVar variation 1427979 (VCV001427979.6), dbSNP rs1406433310, ClinGen allele CA2573140648.

ClinVar aggregate classification (germline): Uncertain significance (1 of 4 stars; one submission).

Submission:

Labcorp Genetics (formerly Invitae), Labcorp
Classification: Uncertain significance. Last evaluated: 2025-07-07. Review status: criteria provided, single submitter. Criteria: Invitae Variant Classification Sherloc (09022015). Collection method: clinical testing. Allele origin: germline.
Comment: This variant, c.980_1006dup, results in the insertion of 9 amino acid(s) of the ARID1B protein (p.Gly327_Gly335dup), but otherwise preserves the integrity of the reading frame. The frequency data for this variant in the population databases is considered unreliable, as metrics indicate insufficient coverage at this position in the gnomAD database. This variant has not been reported in the literature in individuals affected with ARID1B-related conditions. ClinVar contains an entry for this variant (Variation ID: 1427979). Experimental studies and prediction algorithms are not available or were not evaluated, and the functional significance of this variant is currently unknown. In summary, the available evidence is currently insufficient to determine the role of this variant in disease. Therefore, it has been classified as a Variant of Uncertain Significance.